The following is an entry in ClinVar:

NM_001183.6(ATP6AP1):c.82G>A (p.Val28Met)

Gene: ATP6AP1 (ATPase H+ transporting accessory protein 1; plus strand). Cytogenetic location: Xq28.
Variant type: single nucleotide variant.
Coding change: c.82G>A on transcript NM_001183.6 (MANE Select); coding-DNA position 82, G replaced by A.
Protein change: p.Val28Met; replaces valine 28 with methionine.
Molecular consequence: missense variant.
Genome position (GRCh38, 1-based): chrX:154,428,774, G>A. VCF-style: chrX-154428774-G-A. GRCh37 (hg19) VCF-style: chrX-153657120-G-A.
Other names: short protein forms V28M.
Identifiers: ClinVar variation 3607329 (VCV003607329.2).
Genomic context (GRCh38, chrX:154,428,774, plus strand): 5'-GCTCGAGTGCGGATGGGGCCGCGGTGCGCCCAGGCGCTCTGGCGCATGCCGTGGCTGCCG[G>A]TGTTTTTGTCGTTGGCGGCGGCGGCGGCGGCGGCAGCGGCGGAGCAGCAGGTCCCGCTGG-3'
Protein context (NP_001174.2, residues 18-38): QALWRMPWLP[Val28Met]FLSLAAAAAA

ClinVar aggregate classification (germline): Uncertain significance (1 of 4 stars; one submission).

gnomAD v4.1: 2 of 1,132,786 alleles (0.00018%); highest among the groups gnomAD compares: African/African-American, 0.0039%; no homozygotes.

Submission:

Labcorp Genetics (formerly Invitae), Labcorp
Classification: Uncertain significance. Last evaluated: 2024-10-03. Review status: criteria provided, single submitter. Criteria: Invitae Variant Classification Sherloc (09022015). Collection method: clinical testing. Allele origin: germline.
Comment: This sequence change replaces valine, which is neutral and non-polar, with methionine, which is neutral and non-polar, at codon 28 of the ATP6AP1 protein (p.Val28Met). This variant is not present in population databases (gnomAD no frequency). This variant has not been reported in the literature in individuals affected with ATP6AP1-related conditions. Invitae Evidence Modeling of protein sequence and biophysical properties (such as structural, functional, and spatial information, amino acid conservation, physicochemical variation, residue mobility, and thermodynamic stability) indicates that this missense variant is not expected to disrupt ATP6AP1 protein function with a negative predictive value of 80%. In summary, the available evidence is currently insufficient to determine the role of this variant in disease. Therefore, it has been classified as a Variant of Uncertain Significance.